The following is an entry in ClinVar:

NM_016239.4(MYO15A):c.7894G>T (p.Val2632Leu)

Gene: MYO15A (myosin XVA; plus strand). Cytogenetic location: 17p11.2.
Variant type: single nucleotide variant.
Coding change: c.7894G>T on transcript NM_016239.4 (MANE Select); coding-DNA position 7894, G replaced by T.
Protein change: p.Val2632Leu; replaces valine 2632 with leucine.
Molecular consequence: missense variant.
Genome position (GRCh38, 1-based): chr17:18,152,112, G>T. VCF-style: chr17-18152112-G-T. GRCh37 (hg19) VCF-style: chr17-18055426-G-T.
Other names: short protein forms V2632L.
Identifiers: ClinVar variation 3581720 (VCV003581720.3).

ClinVar aggregate classification (germline): Pathogenic/Likely pathogenic. Review status: criteria provided, multiple submitters, no conflicts (2 of 4 stars). 2 submissions from 2 submitters: Pathogenic (1); Likely pathogenic (1). Last evaluated 2024-05-23.

Conditions:
Autosomal recessive nonsyndromic hearing loss 3. Also called: NEUROSENSORY NONSYNDROMIC RECESSIVE DEAFNESS 3. Identifiers: Orphanet 90636, MedGen C1838263, MONDO:0010860, OMIM 600316.

gnomAD v4.1: 1 of 1,551,604 alleles (0.000064%); highest among the groups gnomAD compares: South Asian, 0.0012%; no homozygotes.

Submissions (2):

Fulgent Genetics
Classification: Likely pathogenic for Autosomal recessive nonsyndromic hearing loss 3. Last evaluated: 2024-05-23. Review status: criteria provided, single submitter. Criteria: ACMG Guidelines, 2015. Collection method: clinical testing. Allele origin: germline.

Labcorp Genetics (formerly Invitae), Labcorp
Classification: Pathogenic. Last evaluated: 2024-05-01. Review status: criteria provided, single submitter. Criteria: Invitae Variant Classification Sherloc (09022015). Collection method: clinical testing. Allele origin: germline.
Comment: This sequence change replaces valine, which is neutral and non-polar, with leucine, which is neutral and non-polar, at codon 2632 of the MYO15A protein (p.Val2632Leu). This variant is present in population databases (no rsID available, gnomAD 0.004%). This missense change has been observed in individual(s) with nonsyndromic deafness (PMID: 29692870; Invitae). In at least one individual the data is consistent with being in trans (on the opposite chromosome) from a pathogenic variant. It has also been observed to segregate with disease in related individuals. Experimental studies and prediction algorithms are not available or were not evaluated, and the functional significance of this variant is currently unknown. Algorithms developed to predict the effect of sequence changes on RNA splicing suggest that this variant may disrupt the consensus splice site. For these reasons, this variant has been classified as Pathogenic.

Literature cited by the submitters: PubMed 29692870 (cited by Labcorp Genetics (formerly Invitae), Labcorp).